The following is an entry in ClinVar:

ClinVar aggregate classification (germline): Pathogenic (1 of 4 stars; one submission).

Conditions:
Rare genetic deafness. Identifiers: Orphanet 96210, MedGen C5680250.

Allele frequency attached by ClinVar (database versions not stated): gnomAD exomes below 0.00001.
gnomAD v4.1: 1 of 1,612,840 alleles (0.000062%); no homozygotes.

Submission:

Laboratory for Molecular Medicine, Mass General Brigham Personalized Medicine
Classification: Pathogenic for Rare genetic deafness. Last evaluated: 2015-12-09. Review status: criteria provided, single submitter. Criteria: LMM Criteria. Collection method: clinical testing. Allele origin: germline. Inheritance: Autosomal dominant inheritance. Observed: 1 variant allele.
Comment: The p.Trp296X variant in EDNRB has not been previously reported in individuals w ith hearing loss or Waardenburg syndrome, and was absent from large population s tudies. This nonsense variant leads to a premature termination codon at position 296, which is predicted to lead to a truncated or absent protein. Loss of funct ion of the EDNRB gene is an established disease mechanism in autosomal recessive Waardenburg syndrome and has also been suggested to cause autosomal dominant Wa ardenburg syndrome based on reports from a small number of families (Pingault 20 10). In summary, this variant meets our criteria to be classified as pathogenic for Waardenburg syndrome in an autosomal recessive manner based on the predicted impact of the variant.

Literature cited by the submitters: PubMed 20127975; PubMed 25118007.

NM_001122659.3(EDNRB):c.618G>A (p.Trp206Ter)

Genes: EDNRB (endothelin receptor type B; minus strand), EDNRB-AS1 (EDNRB antisense RNA 1; plus strand). Cytogenetic location: 13q22.3.
Variant type: single nucleotide variant.
Coding change: c.618G>A on transcript NM_001122659.3 (MANE Select); coding-DNA position 618, G replaced by A.
Protein change: p.Trp206Ter; replaces tryptophan 206 with a stop codon.
Molecular consequence: nonsense.
Genome position (GRCh38, 1-based): chr13:77,903,339, C>T on the plus strand (G>A on the coding strand, the complement: EDNRB is on the minus strand). VCF-style: chr13-77903339-C-T. GRCh37 (hg19) VCF-style: chr13-78477474-C-T.
Other names: c.618G>A, p.Trp206Ter (NM_000115.5, NM_003991.4); c.888G>A, p.Trp296Ter (NM_001201397.2); short protein forms W206*, W296*.
Identifiers: ClinVar variation 228342 (VCV000228342.4), dbSNP rs876657688, ClinGen allele CA10576942.